The following is an entry in ClinVar:

NM_006766.5(KAT6A):c.3377del (p.Ser1126fs)

Gene: KAT6A (lysine acetyltransferase 6A; minus strand). Cytogenetic location: 8p11.21.
Variant type: Deletion.
Coding change: c.3377del on transcript NM_006766.5 (MANE Select); coding-DNA position 3377, one base deleted (C; older notation c.3377delC).
Protein change: p.Ser1126fs; shifts the reading frame from serine 1126.
Molecular consequence: frameshift variant.
Genome position (GRCh38, 1-based): chr8:41,934,843, G deleted on the plus strand (C on the coding strand, the reverse complement: KAT6A is on the minus strand). VCF-style (leftmost placement, unchanged base first): chr8-41934842-AG-A. GRCh37 (hg19) VCF-style: chr8-41792360-AG-A.
Other names: short protein forms S1126fs.
Identifiers: ClinVar variation 1805338 (VCV001805338.1), dbSNP rs2486758839, ClinGen allele CA1139532827.

ClinVar aggregate classification (germline): Pathogenic (1 of 4 stars; one submission).

Conditions:
Autosomal dominant intellectual disability-craniofacial anomalies-cardiac defects syndrome (ARTHS). Also called: KAT6A syndrome; Arboleda-Tham syndrome; Mental retardation, autosomal dominant 32. Identifiers: Orphanet 457193, MedGen C4225396, MONDO:0014558, OMIM 616268.

Submission:

Victorian Clinical Genetics Services, Murdoch Childrens Research Institute
Classification: Pathogenic for Autosomal dominant intellectual disability-craniofacial anomalies-cardiac defects syndrome. Last evaluated: 2020-10-19. Review status: criteria provided, single submitter. Criteria: ACMG Guidelines, 2015. Collection method: clinical testing. Allele origin: germline. Inheritance: Autosomal dominant inheritance.
Comment: Based on the classification scheme VCGS_Germline_v1.1.1, this variant is classified as Pathogenic. Following criteria are met: 0102 - Loss-of-function is a known mechanism of disease for this gene. (N) 0107 - This gene is known to be associated with autosomal dominant disease. (N) 0204 - Variant is predicted to result in a truncated protein with more than 1/3 of the protein affected (exon 17 of 17). (P) 0251 - Variant is heterozygous. (N) 0301 - Variant is absent from gnomAD. (P) 0401 - Variant is located in a gene associated with a severe early-onset dominant condition that is intolerant to loss-of-function variants. (P) 0601 - Variant affects at least one well-established (essential) functional domain or motif. The variant is located within the transactivation domain which is essential for normal protein function (PMID: 25728777). (P) 0701 - Comparable variants have very strong previous evidence for pathogenicity. Other variants predicted to cause a truncated protein have been reported as pathogenic in ClinVar. (P) 0807 - Variant has not previously been reported in a clinical context. (N) 0905 - No segregation evidence has been identified for this variant. (N) 1007 - No published functional evidence has been identified for this variant. (P) Legend: (P) - Pathogenic, (N) - Neutral, (B) - Benign

Literature cited by the submitters: PubMed 25728777.